The following is an entry in ClinVar:

NM_003399.6(XPNPEP2):c.274A>G (p.Ile92Val)

Gene: XPNPEP2 (X-prolyl aminopeptidase 2; plus strand). Cytogenetic location: Xq26.1.
Variant type: single nucleotide variant.
Coding change: c.274A>G on transcript NM_003399.6 (MANE Select); coding-DNA position 274, A replaced by G.
Protein change: p.Ile92Val; replaces isoleucine 92 with valine.
Molecular consequence: missense variant.
Genome position (GRCh38, 1-based): chrX:129,745,242, A>G. VCF-style: chrX-129745242-A-G. GRCh37 (hg19) VCF-style: chrX-128879218-A-G.
Other names: short protein forms I92V.
Identifiers: ClinVar variation 1050214 (VCV001050214.1), dbSNP rs1195935972, ClinGen allele CA414564140.
Genomic context (GRCh38, chrX:129,745,242, plus strand): 5'-ATGGTGTTGTTGATTTCCTAGAACGAGTACATCGGCCAACATGACGAGAGGCGTGCGTGG[A>G]TTACAGGCTTTACAGGGTCTGCAGGTGACAATCATTACCCAGCCCCATTGCTTTTGTTGG-3'
Protein context (NP_003390.4, residues 82-102): IGQHDERRAW[Ile92Val]TGFTGSAGTA

ClinVar aggregate classification (germline): Uncertain significance (0 of 4 stars; one submission).

Allele frequency attached by ClinVar (database versions not stated): gnomAD exomes 0.00001.

Submission:

Department of Pathology and Laboratory Medicine, Sinai Health System
Classification: Uncertain significance. Review status: no assertion criteria provided. Collection method: clinical testing. Allele origin: unknown. Affected: yes. Study: The Canadian Open Genetics Repository (COGR).
Comment: The XPNPEP2 p.Ile92Val variant was not identified in the literature nor was it identified in the ClinVar, Cosmic, MutDB or LOVD 3.0 databases. The variant was identified in dbSNP (ID: rs1195935972) and in control databases in 2 of 183463 chromosomes at a frequency of 0.000011 (Genome Aggregation Database Feb 27, 2017). The variant was observed in the following population: South Asian in 2 of 19056 chromosomes (freq: 0.000105), but not observed in the African, Latino, Ashkenazi Jewish, East Asian, European (Finnish), European (non-Finnish) and other populations. The p.Ile92 residue is not conserved in mammals and computational analyses (PolyPhen-2, SIFT, AlignGVGD, BLOSUM, MutationTaster) provide inconsistent predictions regarding the impact to the protein; this information is not very predictive of pathogenicity. In summary, based on the above information the clinical significance of this variant cannot be determined with certainty at this time. This variant is classified as a variant of uncertain significance.